The following is an entry in ClinVar:

NM_001267550.2(TTN):c.66983A>T (p.Asp22328Val)

Genes: TTN (titin; minus strand), TTN-AS1 (TTN antisense RNA 1; plus strand). Cytogenetic location: 2q31.2.
Variant type: single nucleotide variant.
Coding change: c.66983A>T on transcript NM_001267550.2 (MANE Select); coding-DNA position 66983, A replaced by T.
Protein change: p.Asp22328Val; replaces aspartic acid 22328 with valine.
Molecular consequence: missense variant.
Genome position (GRCh38, 1-based): chr2:178,580,396, T>A on the plus strand (A>T on the coding strand, the complement: TTN is on the minus strand). VCF-style: chr2-178580396-T-A. GRCh37 (hg19) VCF-style: chr2-179445123-T-A.
Other names: c.62060A>T, p.Asp20687Val (NM_001256850.1); c.39788A>T, p.Asp13263Val (NM_003319.4); c.59279A>T, p.Asp19760Val (NM_133378.4); c.40163A>T, p.Asp13388Val (NM_133432.3); c.40364A>T, p.Asp13455Val (NM_133437.4); short protein forms D13263V, D13388V, D13455V, D19760V, D20687V, D22328V.
Identifiers: ClinVar variation 2578316 (VCV002578316.1), dbSNP rs749871897, ClinGen allele CA1991394.
Genomic context (GRCh38, chr2:178,580,396, plus strand): 5'-ACAATGGTATATTCCTTTTTACCACAGCTGTTCTCCAGGGTTAAGATATATTTTCCTGCA[T>A]CATATTTGTTCACATTTTCACAGCGCAAGAAAGTGTCAAAGTCAGTTGACTTTATGTCCA-3'
Protein context (NP_001254479.2, residues 22318-22338): FLRCENVNKY[Asp22328Val]AGKYILTLEN

ClinVar aggregate classification (germline): Uncertain significance (1 of 4 stars; one submission).

Allele frequency attached by ClinVar (database versions not stated): gnomAD exomes below 0.00001; ExAC 0.00001.
gnomAD v4.1: 1 of 1,613,266 alleles (0.000062%); highest among the groups gnomAD compares: African/African-American, 0.0013%; no homozygotes.

Submission:

GeneDx
Classification: Uncertain significance. Last evaluated: 2023-08-29. Review status: criteria provided, single submitter. Criteria: GeneDx Variant Classification Process June 2021. Collection method: clinical testing. Allele origin: germline. Affected: yes.
Comment: Not observed at significant frequency in large population cohorts (gnomAD); Has not been previously published as pathogenic or benign to our knowledge; In silico analysis suggests this variant may impact gene splicing. In the absence of RNA/functional studies, the actual effect of this sequence change is unknown.; Located in the A-band region of TTN in which the majority of loss of function variants have been associated with autosomal dominant titinopathies (Herman et al., 2012); This variant is associated with the following publications: (PMID: 22335739)